The following is an entry in ClinVar:

NM_000038.6(APC):c.3839dup (p.Leu1280fs)

Gene: APC (APC regulator of Wnt signaling pathway; plus strand). Cytogenetic location: 5q22.2.
Variant type: Duplication.
Coding change: c.3839dup on transcript NM_000038.6 (MANE Select); coding-DNA position 3839, one base duplicated (T; older notation c.3839dupT).
Protein change: p.Leu1280fs; shifts the reading frame from leucine 1280.
Molecular consequence: frameshift variant.
Genome position (GRCh38, 1-based): chr5:112,839,433, T duplicated; the last of 3 consecutive T bases (chr5:112,839,431-112,839,433); duplicating any one gives the same sequence. VCF-style (leftmost placement, unchanged base first): chr5-112839430-C-CT. GRCh37 (hg19) VCF-style: chr5-112175127-C-CT.
Other names: c.3839dup, p.Leu1280fs (NM_001127510.3, NM_001354895.2); c.3785dup, p.Leu1262fs (NM_001127511.3); c.3893dup, p.Leu1298fs (NM_001354896.2); c.3869dup, p.Leu1290fs (NM_001354897.2); c.3764dup, p.Leu1255fs (NM_001354898.2); c.3755dup, p.Leu1252fs (NM_001354899.2); c.3716dup, p.Leu1239fs (NM_001354900.2); c.3662dup, p.Leu1221fs (NM_001354901.2); and 5 more; short protein forms L1120fs, L1154fs, L1179fs, L1189fs, L1221fs, L1239fs, L1252fs, L1255fs.
Identifiers: ClinVar variation 1074731 (VCV001074731.48), dbSNP rs1765534642, ClinGen allele CA645543608.

ClinVar aggregate classification (germline): Pathogenic (1 of 4 stars; one submission).

Conditions:
Familial adenomatous polyposis 1 (FAP1). Also called: FAMILIAL ADENOMATOUS POLYPOSIS 1, ATTENUATED; POLYPOSIS, ADENOMATOUS INTESTINAL. Identifiers: MedGen C2713442, MONDO:0021056, OMIM 175100. Disease mechanism: loss of function.

Submission:

Labcorp Genetics (formerly Invitae), Labcorp
Classification: Pathogenic for Familial adenomatous polyposis 1. Last evaluated: 2020-03-04. Review status: criteria provided, single submitter. Criteria: Invitae Variant Classification Sherloc (09022015). Collection method: clinical testing. Allele origin: germline.
Comment: For these reasons, this variant has been classified as Pathogenic. A different truncation (p.Tyr2645Lysfs*14) that lies downstream of this variant has been determined to be pathogenic (PMID: 9824584, 1316610, 27081525, 8381579, 22135120, Invitae). This suggests that deletion of this region of the APC protein is causative of disease. This sequence change results in a premature translational stop signal in the APC gene (p.Leu1280Phefs*5). While this is not anticipated to result in nonsense mediated decay, it is expected to disrupt the last 1564 amino acids of the APC protein. This variant is not present in population databases (ExAC no frequency). This variant has not been reported in the literature in individuals with APC-related conditions. This variant is expected to disrupt the EB1 and HDLG binding sites, which mediate interactions with the cytoskeleton (PMID: 15311282, 17293347). While functional studies have not been performed to directly test the effect on APC protein function, this suggests that disruption of the C-terminal portion of the protein is functionally important.

Literature cited by the submitters: PubMed 9824584; PubMed 1316610; PubMed 27081525; PubMed 8381579; PubMed 22135120; PubMed 15311282; PubMed 17293347.